The following is an entry in ClinVar:

NM_017570.5(OPLAH):c.3512G>C (p.Arg1171Thr)

Gene: OPLAH (5-oxoprolinase, ATP-hydrolysing; minus strand). Cytogenetic location: 8q24.3.
Variant type: single nucleotide variant.
Coding change: c.3512G>C on transcript NM_017570.5 (MANE Select); coding-DNA position 3512, G replaced by C.
Protein change: p.Arg1171Thr; replaces arginine 1171 with threonine.
Molecular consequence: missense variant.
Genome position (GRCh38, 1-based): chr8:144,052,026, C>G on the plus strand (G>C on the coding strand, the complement: OPLAH is on the minus strand). VCF-style: chr8-144052026-C-G. GRCh37 (hg19) VCF-style: chr8-145106927-C-G.
Other names: short protein forms R1171T.
Identifiers: ClinVar variation 1386593 (VCV001386593.3), dbSNP rs2129743421, ClinGen allele CA372530585.

ClinVar aggregate classification (germline): Uncertain significance (1 of 4 stars; one submission).

Conditions:
5-Oxoprolinase deficiency (OPLAHD). Also called: 5-OXOPROLINURIA DUE TO 5-OXOPROLINASE DEFICIENCY. Identifiers: Orphanet 33572, MedGen C0268525, MONDO:0009825, OMIM 260005, HP:0040142.

gnomAD v4.1: 1 of 1,590,376 alleles (0.000063%); highest among the groups gnomAD compares: Non-Finnish European, 0.000085%; no homozygotes.

Submission:

Labcorp Genetics (formerly Invitae), Labcorp
Classification: Uncertain significance for 5-Oxoprolinase deficiency. Last evaluated: 2021-10-13. Review status: criteria provided, single submitter. Criteria: Invitae Variant Classification Sherloc (09022015). Collection method: clinical testing. Allele origin: germline.
Comment: This sequence change replaces arginine, which is basic and polar, with threonine, which is neutral and polar, at codon 1171 of the OPLAH protein (p.Arg1171Thr). This variant is not present in population databases (gnomAD no frequency). This variant has not been reported in the literature in individuals affected with OPLAH-related conditions. Experimental studies and prediction algorithms are not available or were not evaluated, and the functional significance of this variant is currently unknown. In summary, the available evidence is currently insufficient to determine the role of this variant in disease. Therefore, it has been classified as a Variant of Uncertain Significance.